The following is an entry in ClinVar:

ClinVar aggregate classification (germline): Uncertain significance (1 of 4 stars; one submission).

Conditions:
Deafness-lymphedema-leukemia syndrome. Also called: Lymphedema, primary, with myelodysplasia; Emberger syndrome. Identifiers: Orphanet 3226, MedGen C3279664, MONDO:0013540, OMIM 614038.
Monocytopenia with susceptibility to infections. Also called: MONOCYTOPENIA AND MYCOBACTERIAL INFECTION SYNDROME; MONOCYTOPENIA WITH SUSCEPTIBILITY TO MYCOBACTERIAL, FUNGAL, AND PAPILLOMAVIRUS INFECTIONS AND MYELODYSPLASIA; COMBINED IMMUNODEFICIENCY WITH SUSCEPTIBILITY TO MYCOBACTERIAL, VIRAL, AND FUNGAL INFECTIONS; Dendritic cell, monocyte, B lymphocyte, and natural killer lymphocyte deficiency; GATA2 DEFICIENCY; IMMUNODEFICIENCY 21. Identifiers: Orphanet 228423, MedGen C3280030, MONDO:0013607, OMIM 614172.

Allele frequency attached by ClinVar (database versions not stated): gnomAD exomes below 0.00001.

Submission:

Labcorp Genetics (formerly Invitae), Labcorp
Classification: Uncertain significance for Monocytopenia with susceptibility to infections; Deafness-lymphedema-leukemia syndrome. Last evaluated: 2023-04-14. Review status: criteria provided, single submitter. Criteria: Invitae Variant Classification Sherloc (09022015). Collection method: clinical testing. Allele origin: germline.
Comment: In summary, the available evidence is currently insufficient to determine the role of this variant in disease. Therefore, it has been classified as a Variant of Uncertain Significance. Advanced modeling of protein sequence and biophysical properties (such as structural, functional, and spatial information, amino acid conservation, physicochemical variation, residue mobility, and thermodynamic stability) has been performed at Invitae for this missense variant, however the output from this modeling did not meet the statistical confidence thresholds required to predict the impact of this variant on GATA2 protein function. This missense change has been observed in individual(s) with myelodysplasia and acute myeloid leukemia (PMID: 29724903). This variant is not present in population databases (gnomAD no frequency). This sequence change replaces asparagine, which is neutral and polar, with serine, which is neutral and polar, at codon 297 of the GATA2 protein (p.Asn297Ser).

Literature cited by the submitters: PubMed 29724903.

NM_032638.5(GATA2):c.890A>G (p.Asn297Ser)

Gene: GATA2 (GATA binding protein 2; minus strand). Cytogenetic location: 3q21.3.
Variant type: single nucleotide variant.
Coding change: c.890A>G on transcript NM_032638.5 (MANE Select); coding-DNA position 890, A replaced by G.
Protein change: p.Asn297Ser; replaces asparagine 297 with serine.
Molecular consequence: missense variant.
Genome position (GRCh38, 1-based): chr3:128,483,987, T>C on the plus strand (A>G on the coding strand, the complement: GATA2 is on the minus strand). VCF-style: chr3-128483987-T-C. GRCh37 (hg19) VCF-style: chr3-128202830-T-C.
Other names: c.890A>G, p.Asn297Ser (NM_001145661.2, NM_001145662.1); short protein forms N297S.
Identifiers: ClinVar variation 2927183 (VCV002927183.3), dbSNP rs2472925200, ClinGen allele CA354404909.